The following is an entry in ClinVar:

NM_006567.5(FARS2):c.1293G>T (p.Arg431Ser)

Gene: FARS2 (phenylalanyl-tRNA synthetase 2, mitochondrial; plus strand). Cytogenetic location: 6p25.1.
Variant type: single nucleotide variant.
Coding change: c.1293G>T on transcript NM_006567.5 (MANE Select); coding-DNA position 1293, G replaced by T.
Protein change: p.Arg431Ser; replaces arginine 431 with serine.
Molecular consequence: missense variant.
Genome position (GRCh38, 1-based): chr6:5,771,366, G>T. VCF-style: chr6-5771366-G-T. GRCh37 (hg19) VCF-style: chr6-5771599-G-T.
Other names: c.1293G>T, p.Arg431Ser (NM_001318872.2, NM_001374875.1, NM_001374876.1 and 4 more transcripts); c.1161G>T, p.Arg387Ser (NM_001375258.1); c.597G>T, p.Arg199Ser (NM_001375259.1, NM_001375260.1); short protein forms R387S, R431S, R199S.
Identifiers: ClinVar variation 1446738 (VCV001446738.3), dbSNP rs749743875, ClinGen allele CA3623936.
Genomic context (GRCh38, chr6:5,771,366, plus strand): 5'-CCACTGCTACCGCATCACGTACCGCCACATGGAACGGACTCTGTCCCAGAGAGAGGTCAG[G>T]CACATCCACCAGGCCTTGCAGGAGGCTGCAGTCCAGCTGTTGGGTGTGGAGGGCAGGTTC-3'
Protein context (NP_006558.1, residues 421-441): MERTLSQREV[Arg431Ser]HIHQALQEAA

ClinVar aggregate classification (germline): Uncertain significance (1 of 4 stars; one submission).

Conditions:
Combined oxidative phosphorylation defect type 14. Also called: Combined oxidative phosphorylation deficiency 14. Identifiers: Orphanet 319519, MedGen C4755312, MONDO:0013986, OMIM 614946.

Allele frequency attached by ClinVar (database versions not stated): ExAC 0.00001; gnomAD 0.00002; TOPMed 0.00002; gnomAD exomes 0.00002.
gnomAD v4.1: 53 of 1,614,132 alleles (0.0033%); highest among the groups gnomAD compares: Non-Finnish European, 0.0042%; no homozygotes.

Submission:

Labcorp Genetics (formerly Invitae), Labcorp
Classification: Uncertain significance for Combined oxidative phosphorylation defect type 14. Last evaluated: 2022-07-05. Review status: criteria provided, single submitter. Criteria: Invitae Variant Classification Sherloc (09022015). Collection method: clinical testing. Allele origin: germline.
Comment: This sequence change replaces arginine, which is basic and polar, with serine, which is neutral and polar, at codon 431 of the FARS2 protein (p.Arg431Ser). This variant is present in population databases (rs749743875, gnomAD 0.004%). This variant has not been reported in the literature in individuals affected with FARS2-related conditions. ClinVar contains an entry for this variant (Variation ID: 1446738). Advanced modeling of protein sequence and biophysical properties (such as structural, functional, and spatial information, amino acid conservation, physicochemical variation, residue mobility, and thermodynamic stability) performed at Invitae indicates that this missense variant is not expected to disrupt FARS2 protein function. In summary, the available evidence is currently insufficient to determine the role of this variant in disease. Therefore, it has been classified as a Variant of Uncertain Significance.